The following is an entry in ClinVar:

ClinVar aggregate classification (germline): Uncertain significance. Review status: criteria provided, multiple submitters, no conflicts (2 of 4 stars). 2 submissions from 2 submitters: Uncertain significance (2). Last evaluated 2022-10-27.

Conditions:
Inborn genetic diseases. Identifiers: MedGen C0950123, MeSH D030342.
Biotinidase deficiency. Also called: BTD deficiency; Late-onset biotin-responsive multiple carboxylase deficiency; Biotin deficiency. Identifiers: Orphanet 79241, MedGen C0220754, MONDO:0009665, OMIM 253260.

Allele frequency attached by ClinVar (database versions not stated): gnomAD exomes below 0.00001; gnomAD 0.00001; TOPMed 0.00002.
gnomAD v4.1: 5 of 1,614,100 alleles (0.00031%); highest among the groups gnomAD compares: Admixed American, 0.0067%; no homozygotes.

Submissions (2):

Ambry Genetics
Classification: Uncertain significance for Inborn genetic diseases. Last evaluated: 2022-10-27. Review status: criteria provided, single submitter. Criteria: Ambry Variant Classification Scheme 2023. Collection method: clinical testing. Allele origin: germline.

Labcorp Genetics (formerly Invitae), Labcorp
Classification: Uncertain significance for Biotinidase deficiency. Last evaluated: 2022-10-03. Review status: criteria provided, single submitter. Criteria: Invitae Variant Classification Sherloc (09022015). Collection method: clinical testing. Allele origin: germline.
Comment: This sequence change replaces aspartic acid, which is acidic and polar, with glutamic acid, which is acidic and polar, at codon 324 of the BTD protein (p.Asp324Glu). This variant is present in population databases (no rsID available, gnomAD 0.1%). This variant has not been reported in the literature in individuals affected with BTD-related conditions. ClinVar contains an entry for this variant (Variation ID: 1357002). Advanced modeling of protein sequence and biophysical properties (such as structural, functional, and spatial information, amino acid conservation, physicochemical variation, residue mobility, and thermodynamic stability) performed at Invitae indicates that this missense variant is expected to disrupt BTD protein function. In summary, the available evidence is currently insufficient to determine the role of this variant in disease. Therefore, it has been classified as a Variant of Uncertain Significance.

NM_001370658.1(BTD):c.912C>G (p.Asp304Glu)

Gene: BTD (biotinidase; plus strand). Cytogenetic location: 3p25.1.
Variant type: single nucleotide variant.
Coding change: c.912C>G on transcript NM_001370658.1 (MANE Select); coding-DNA position 912, C replaced by G.
Protein change: p.Asp304Glu; replaces aspartic acid 304 with glutamic acid.
Molecular consequence: missense variant. On other transcripts: intron variant (6).
Genome position (GRCh38, 1-based): chr3:15,644,828, C>G. VCF-style: chr3-15644828-C-G. GRCh37 (hg19) VCF-style: chr3-15686335-C-G.
Other names: c.912C>G, p.Asp304Glu (NM_001281723.4, NM_001281724.3, NM_001281725.3 and 18 more transcripts); c.399+2771C>G (NM_001370753.1, NM_001407400.1, NM_001407380.1 and 3 more transcripts); c.972C>G (NM_000060.2); short protein forms D304E.
Identifiers: ClinVar variation 1357002 (VCV001357002.7), dbSNP rs1449860088, ClinGen allele CA351607609.